The following is an entry in ClinVar:

NM_001267550.2(TTN):c.6509-15A>G

Gene: TTN (titin; minus strand). Cytogenetic location: 2q31.2.
Variant type: single nucleotide variant.
Coding change: c.6509-15A>G on transcript NM_001267550.2 (MANE Select); 15 bases into the intron before coding-DNA position 6509, A replaced by G.
Molecular consequence: intron variant.
Genome position (GRCh38, 1-based): chr2:178,775,217, T>C on the plus strand (A>G on the coding strand, the complement: TTN is on the minus strand). VCF-style: chr2-178775217-T-C. GRCh37 (hg19) VCF-style: chr2-179639944-T-C.
Other names: c.6371-15A>G (NM_003319.4, NM_133437.4, NM_133432.3); c.6509-15A>G (NM_133378.4, NM_001256850.1, NM_133379.5).
Identifiers: ClinVar variation 507402 (VCV000507402.11), dbSNP rs1554004514, ClinGen allele CA658796061.

ClinVar aggregate classification (germline): Likely benign. Review status: criteria provided, multiple submitters, no conflicts (2 of 4 stars). 2 submissions from 2 submitters: Likely benign (2). Last evaluated 2021-10-20.

Conditions:
Dilated cardiomyopathy 1G (CMD1G). Identifiers: Orphanet 154, MedGen C1858763, MONDO:0011400, OMIM 604145.
Autosomal recessive limb-girdle muscular dystrophy type 2J (LGMDR10). Also called: Limb-girdle muscular dystrophy, type 2J; MUSCULAR DYSTROPHY, LIMB-GIRDLE, AUTOSOMAL RECESSIVE 10. Identifiers: Orphanet 140922, MedGen C1837342, MONDO:0012127, OMIM 608807.

Allele frequency attached by ClinVar (database versions not stated): TOPMed below 0.00001; gnomAD 0.00001.
gnomAD v4.1: 1 of 1,613,256 alleles (0.000062%); highest among the groups gnomAD compares: African/African-American, 0.0013%; no homozygotes.

Submissions (2):

Labcorp Genetics (formerly Invitae), Labcorp
Classification: Likely benign for Dilated cardiomyopathy 1G; Autosomal recessive limb-girdle muscular dystrophy type 2J. Last evaluated: 2021-10-20. Review status: criteria provided, single submitter. Criteria: Invitae Variant Classification Sherloc (09022015). Collection method: clinical testing. Allele origin: germline.

GeneDx
Classification: Likely benign. Last evaluated: 2017-02-14. Review status: criteria provided, single submitter. Criteria: GeneDx Variant Classification (06012015). Collection method: clinical testing. Allele origin: germline. Affected: yes.
Comment: This variant is considered likely benign or benign based on one or more of the following criteria: it is a conservative change, it occurs at a poorly conserved position in the protein, it is predicted to be benign by multiple in silico algorithms, and/or has population frequency not consistent with disease.